The following is an entry in ClinVar:

NM_004525.3(LRP2):c.9074G>T (p.Arg3025Met)

Gene: LRP2 (LDL receptor related protein 2; minus strand). Cytogenetic location: 2q31.1.
Variant type: single nucleotide variant.
Coding change: c.9074G>T on transcript NM_004525.3 (MANE Select); coding-DNA position 9074, G replaced by T.
Protein change: p.Arg3025Met; replaces arginine 3025 with methionine.
Molecular consequence: missense variant.
Genome position (GRCh38, 1-based): chr2:169,188,224, C>A on the plus strand (G>T on the coding strand, the complement: LRP2 is on the minus strand). VCF-style: chr2-169188224-C-A. GRCh37 (hg19) VCF-style: chr2-170044734-C-A.
Other names: short protein forms R3025M.
Identifiers: ClinVar variation 2971963 (VCV002971963.3), dbSNP rs749345832, ClinGen allele CA1953669.

ClinVar aggregate classification (germline): Uncertain significance (1 of 4 stars; one submission).

Allele frequency attached by ClinVar (database versions not stated): ExAC 0.00002; TOPMed 0.00002.
gnomAD v4.1: 60 of 1,614,070 alleles (0.0037%); highest among the groups gnomAD compares: Non-Finnish European, 0.0049%; no homozygotes.

Submission:

Labcorp Genetics (formerly Invitae), Labcorp
Classification: Uncertain significance. Last evaluated: 2023-11-27. Review status: criteria provided, single submitter. Criteria: Invitae Variant Classification Sherloc (09022015). Collection method: clinical testing. Allele origin: germline.
Comment: This sequence change replaces arginine, which is basic and polar, with methionine, which is neutral and non-polar, at codon 3025 of the LRP2 protein (p.Arg3025Met). This variant is present in population databases (rs749345832, gnomAD 0.006%). This variant has not been reported in the literature in individuals affected with LRP2-related conditions. An algorithm developed to predict the effect of missense changes on protein structure and function (PolyPhen-2) suggests that this variant is likely to be disruptive. In summary, the available evidence is currently insufficient to determine the role of this variant in disease. Therefore, it has been classified as a Variant of Uncertain Significance.